The following is an entry in ClinVar:

NM_000051.4(ATM):c.6638A>G (p.Lys2213Arg)

Genes: ATM (ATM serine/threonine kinase; plus strand), C11orf65 (chromosome 11 open reading frame 65; minus strand). Cytogenetic location: 11q22.3.
Variant type: single nucleotide variant.
Coding change: c.6638A>G on transcript NM_000051.4 (MANE Select); coding-DNA position 6638, A replaced by G.
Protein change: p.Lys2213Arg; replaces lysine 2213 with arginine.
Molecular consequence: missense variant. On other transcripts: intron variant (2).
Genome position (GRCh38, 1-based): chr11:108,325,375, A>G. VCF-style: chr11-108325375-A-G. GRCh37 (hg19) VCF-style: chr11-108196102-A-G.
Other names: c.6638A>G, p.Lys2213Arg (NM_001351834.2); c.641-16304T>C (NM_001330368.2); c.*38+9845T>C (NM_001351110.2); short protein forms K2213R.
Identifiers: ClinVar variation 3451586 (VCV003451586.1).
Genomic context (GRCh38, chr11:108,325,375, plus strand): 5'-TCACACATAGACAACTCTCTGAAGTATATATTAAGTGGCAGAAACACTCCCAGCTTCTCA[A>G]GGACAGTGATTTTAGTTTTCAGGAGCCTATCATGGCTCTACGCACAGTCATTTTGGAGAT-3'
Protein context (NP_000042.3, residues 2203-2223): IKWQKHSQLL[Lys2213Arg]DSDFSFQEPI

ClinVar aggregate classification (germline): Uncertain significance (1 of 4 stars; one submission).

Conditions:
Hereditary cancer-predisposing syndrome. Also called: Tumor predisposition; Hereditary Cancer Syndrome; Neoplastic Syndromes, Hereditary; Hereditary neoplastic syndrome. Identifiers: Orphanet 140162, MedGen C0027672, MeSH D009386, MONDO:0015356.

Submission:

Ambry Genetics
Classification: Uncertain significance for Hereditary cancer-predisposing syndrome. Last evaluated: 2024-09-30. Review status: criteria provided, single submitter. Criteria: Ambry Variant Classification Scheme 2023. Collection method: clinical testing. Allele origin: germline.
Comment: The p.K2213R variant (also known as c.6638A>G), located in coding exon 45 of the ATM gene, results from an A to G substitution at nucleotide position 6638. The lysine at codon 2213 is replaced by arginine, an amino acid with highly similar properties. This amino acid position is conserved. In addition, this alteration is predicted to be tolerated by in silico analysis. Based on the available evidence, the clinical significance of this variant remains unclear.